The following is an entry in ClinVar:

ClinVar aggregate classification (germline): Uncertain significance (1 of 4 stars; one submission).

Conditions:
LIG4-related disorder. Also called: LIG4-related condition; LIG4-related disorders. Identifiers: MedGen CN239380.

gnomAD v4.1: 22 of 1,614,074 alleles (0.0014%); highest among the groups gnomAD compares: African/African-American, 0.004%; no homozygotes.

Submission:

PreventionGenetics, part of Exact Sciences
Classification: Uncertain significance for LIG4-related condition. Last evaluated: 2025-08-25. Review status: criteria provided, single submitter. Criteria: ACMG Guidelines, 2015. Collection method: clinical testing. Allele origin: germline.
Comment: The LIG4 c.2452G>A variant is predicted to result in the amino acid substitution p.Val818Ile. To our knowledge, this variant has not been reported in the literature. This variant is reported in 0.0062% of alleles in individuals of African descent in gnomAD. At this time, the clinical significance of this variant is uncertain due to the absence of conclusive functional and genetic evidence.

NM_206937.2(LIG4):c.2452G>A (p.Val818Ile)

Gene: LIG4 (DNA ligase 4; minus strand). Cytogenetic location: 13q33.3.
Variant type: single nucleotide variant.
Coding change: c.2452G>A on transcript NM_206937.2 (MANE Select); coding-DNA position 2452, G replaced by A.
Protein change: p.Val818Ile; replaces valine 818 with isoleucine.
Molecular consequence: missense variant.
Genome position (GRCh38, 1-based): chr13:108,208,817, C>T on the plus strand (G>A on the coding strand, the complement: LIG4 is on the minus strand). VCF-style: chr13-108208817-C-T. GRCh37 (hg19) VCF-style: chr13-108861165-C-T.
Other names: c.2452G>A, p.Val818Ile (NM_001098268.2, NM_001352598.2, NM_001352599.2 and 6 more transcripts); c.2251G>A, p.Val751Ile (NM_001330595.2); c.2488G>A, p.Val830Ile (NM_001352604.2); short protein forms V751I, V818I, V830I.
Identifiers: ClinVar variation 4990654 (VCV004990654.1).